The following is an entry in ClinVar:

NC_000023.10:g.(?_31747728)_(31893510_?)dup

Genes: DMD (dystrophin; minus strand), LOC129391296 (MPRA-validated peak7373 silencer; plus strand). Cytogenetic location: Xp21.1.
Variant type: Duplication.
Identifiers: ClinVar variation 455807 (VCV000455807.1).

ClinVar aggregate classification (germline): Pathogenic (1 of 4 stars; one submission).

Conditions:
Duchenne muscular dystrophy (DMD). Also called: MUSCULAR DYSTROPHY, PSEUDOHYPERTROPHIC PROGRESSIVE, DUCHENNE TYPE; Duchenne Muscular Dystrophy (DMD). Identifiers: Orphanet 98896, MedGen C0013264, MONDO:0010679, OMIM 310200.

Submission:

Labcorp Genetics (formerly Invitae), Labcorp
Classification: Pathogenic for Duchenne muscular dystrophy. Last evaluated: 2017-04-01. Review status: criteria provided, single submitter. Criteria: Invitae Variant Classification Sherloc (09022015). Collection method: clinical testing. Allele origin: germline.
Comment: This variant is a gross duplication of the genomic region encompassing exons 45-52 of the DMD gene. While the exact position of the duplicated exons cannot be determined from this data, the duplicated copy of this region is likely in tandem and may result in an absent or disrupted protein product. Loss-of-function variants in DMD are known to be pathogenic. A gross duplication encompassing the same exons has been reported in the literature in an individual affected with Duchenne muscular dystrophy (PMID: 12111668). A specific phenotype was not reported for 2 additional muscular dystrophy patients reported to have a similar duplication (PMID: 16917894, 21969337). For these reasons, this variant has been classified as Pathogenic.